The following is an entry in ClinVar:

NM_001145809.2(MYH14):c.5177G>A (p.Arg1726Gln)

Gene: MYH14 (myosin heavy chain 14; plus strand). Cytogenetic location: 19q13.33.
Variant type: single nucleotide variant.
Coding change: c.5177G>A on transcript NM_001145809.2 (MANE Select); coding-DNA position 5177, G replaced by A.
Protein change: p.Arg1726Gln; replaces arginine 1726 with glutamine.
Molecular consequence: missense variant.
Genome position (GRCh38, 1-based): chr19:50,292,310, G>A. VCF-style: chr19-50292310-G-A. GRCh37 (hg19) VCF-style: chr19-50795567-G-A.
Other names: c.5078G>A, p.Arg1693Gln (NM_001077186.2); c.5054G>A, p.Arg1685Gln (NM_024729.4); short protein forms R1685Q, R1693Q, R1726Q.
Identifiers: ClinVar variation 1304459 (VCV001304459.6), dbSNP rs747204998, ClinGen allele CA9593716.
Genomic context (GRCh38, chr19:50,292,310, plus strand): 5'-GTTCCACCCAGGCCCAGATGAAGGAGCTATGGCGGGAGGTGGAGGAGACACGCACCTCCC[G>A]GGAGGAGATCTTCTCCCAGAATCGGGAAAGTGAAAAGCGCCTCAAGGGCCTGGAGGCTGA-3'
Protein context (NP_001139281.1, residues 1716-1736): WREVEETRTS[Arg1726Gln]EEIFSQNRES

ClinVar aggregate classification (germline): Uncertain significance. Review status: criteria provided, multiple submitters, no conflicts (2 of 4 stars). 2 submissions from 2 submitters: Uncertain significance (2). Last evaluated 2024-01-09.

Allele frequency attached by ClinVar (database versions not stated): gnomAD 0.00005 and 0.00006; gnomAD exomes 0.00005; TOPMed 0.00006; ExAC 0.00007.
gnomAD v4.1: 61 of 1,598,518 alleles (0.0038%); highest among the groups gnomAD compares: African/African-American, 0.025%; no homozygotes.

Submissions (2):

Labcorp Genetics (formerly Invitae), Labcorp
Classification: Uncertain significance. Last evaluated: 2024-01-09. Review status: criteria provided, single submitter. Criteria: Invitae Variant Classification Sherloc (09022015). Collection method: clinical testing. Allele origin: germline.
Comment: This sequence change replaces arginine, which is basic and polar, with glutamine, which is neutral and polar, at codon 1685 of the MYH14 protein (p.Arg1685Gln). This variant is present in population databases (rs747204998, gnomAD 0.04%), and has an allele count higher than expected for a pathogenic variant. This variant has not been reported in the literature in individuals affected with MYH14-related conditions. ClinVar contains an entry for this variant (Variation ID: 1304459). Advanced modeling of protein sequence and biophysical properties (such as structural, functional, and spatial information, amino acid conservation, physicochemical variation, residue mobility, and thermodynamic stability) performed at Invitae indicates that this missense variant is not expected to disrupt MYH14 protein function with a negative predictive value of 80%. In summary, the available evidence is currently insufficient to determine the role of this variant in disease. Therefore, it has been classified as a Variant of Uncertain Significance.

GeneDx
Classification: Uncertain significance. Last evaluated: 2019-01-15. Review status: criteria provided, single submitter. Criteria: GeneDx Variant Classification Process June 2021. Collection method: clinical testing. Allele origin: germline. Affected: yes.
Comment: Observed in an individual with hearing loss (Choi et al., 2013); In silico analysis, which includes protein predictors and evolutionary conservation, supports a deleterious effect; This variant is associated with the following publications: (PMID: 23990876)